The following is an entry in ClinVar:

NM_000059.4(BRCA2):c.4427A>T (p.Asp1476Val)

Gene: BRCA2 (BRCA2 DNA repair associated; plus strand). Cytogenetic location: 13q13.1.
Variant type: single nucleotide variant.
Coding change: c.4427A>T on transcript NM_000059.4 (MANE Select); coding-DNA position 4427, A replaced by T.
Protein change: p.Asp1476Val; replaces aspartic acid 1476 with valine.
Molecular consequence: missense variant. On other transcripts: non-coding transcript variant (1), intron variant (2).
Genome position (GRCh38, 1-based): chr13:32,338,782, A>T. VCF-style: chr13-32338782-A-T. GRCh37 (hg19) VCF-style: chr13-32912919-A-T.
Other names: c.4427A>T, p.Asp1476Val (NM_001406719.1, NM_001406720.1, NM_001432077.1); c.1909+5395A>T (NM_001406721.1); c.425-5776A>T (NM_001406722.1); short protein forms D1476V.
Identifiers: ClinVar variation 3636476 (VCV003636476.2).
Genomic context (GRCh38, chr13:32,338,782, plus strand): 5'-AATTGCATAACTTTTCCTTAAATTCTGAATTACATTCTGACATAAGAAAGAACAAAATGG[A>T]CATTCTAAGTTATGAGGAAACAGACATAGTTAAACACAAAATACTGAAAGAAAGTGTCCC-3'
Protein context (NP_000050.3, residues 1466-1486): LHSDIRKNKM[Asp1476Val]ILSYEETDIV

ClinVar aggregate classification (germline): Uncertain significance (1 of 4 stars; one submission).

Conditions:
Hereditary breast ovarian cancer syndrome. Also called: Hereditary breast and ovarian cancer syndrome; Hereditary breast and ovarian cancer syndrome (HBOC); BRCA1- and BRCA2-Associated Hereditary Breast and Ovarian Cancer; Hereditary breast and ovarian cancer; Breast and ovarian cancer; Hereditary breast and/or ovarian cancer syndrome. Identifiers: Orphanet 145, MedGen C0677776, MeSH D061325, MONDO:0003582. Disease mechanism: loss of function.

Submission:

Labcorp Genetics (formerly Invitae), Labcorp
Classification: Uncertain significance for Hereditary breast ovarian cancer syndrome. Last evaluated: 2024-02-23. Review status: criteria provided, single submitter. Criteria: Invitae Variant Classification Sherloc (09022015). Collection method: clinical testing. Allele origin: germline.
Comment: This sequence change replaces aspartic acid, which is acidic and polar, with valine, which is neutral and non-polar, at codon 1476 of the BRCA2 protein (p.Asp1476Val). This variant is not present in population databases (gnomAD no frequency). This variant has not been reported in the literature in individuals affected with BRCA2-related conditions. Advanced modeling of protein sequence and biophysical properties (such as structural, functional, and spatial information, amino acid conservation, physicochemical variation, residue mobility, and thermodynamic stability) performed at Invitae indicates that this missense variant is not expected to disrupt BRCA2 protein function with a negative predictive value of 95%. In summary, the available evidence is currently insufficient to determine the role of this variant in disease. Therefore, it has been classified as a Variant of Uncertain Significance.